The following is an entry in ClinVar:

NM_052988.5(CDK10):c.609-7T>G

Gene: CDK10 (cyclin dependent kinase 10; plus strand). Cytogenetic location: 16q24.3.
Variant type: single nucleotide variant.
Coding change: c.609-7T>G on transcript NM_052988.5 (MANE Select); 7 bases into the intron before coding-DNA position 609, T replaced by G.
Molecular consequence: intron variant.
Genome position (GRCh38, 1-based): chr16:89,694,166, T>G. VCF-style: chr16-89694166-T-G. GRCh37 (hg19) VCF-style: chr16-89760574-T-G.
Other names: c.396-7T>G (NM_001160367.2, NM_052987.4, NM_001098533.3).
Identifiers: ClinVar variation 3044874 (VCV003044874.2), dbSNP rs1021924129, ClinGen allele CA286537522.

ClinVar aggregate classification (germline): Likely benign (0 of 4 stars; one submission).

Conditions:
CDK10-related disorder. Also called: CDK10-related condition.

Allele frequency attached by ClinVar (database versions not stated): gnomAD exomes 0.00001.
gnomAD v4.1: 5 of 1,613,722 alleles (0.00031%); highest among the groups gnomAD compares: Middle Eastern, 0.083%; no homozygotes.

Submission:

PreventionGenetics, part of Exact Sciences
Classification: Likely benign for CDK10-related condition. Last evaluated: 2019-07-02. Review status: no assertion criteria provided. Collection method: clinical testing. Allele origin: germline.
Comment: This variant is classified as likely benign based on ACMG/AMP sequence variant interpretation guidelines (Richards et al. 2015 PMID: 25741868, with internal and published modifications).